The following is an entry in ClinVar:

NM_001605.3(AARS1):c.2249G>A (p.Arg750Gln)

Gene: AARS1 (alanyl-tRNA synthetase 1; minus strand). Cytogenetic location: 16q22.1.
Variant type: single nucleotide variant.
Coding change: c.2249G>A on transcript NM_001605.3 (MANE Select); coding-DNA position 2249, G replaced by A.
Protein change: p.Arg750Gln; replaces arginine 750 with glutamine.
Molecular consequence: missense variant.
Genome position (GRCh38, 1-based): chr16:70,255,765, C>T on the plus strand (G>A on the coding strand, the complement: AARS1 is on the minus strand). VCF-style: chr16-70255765-C-T. GRCh37 (hg19) VCF-style: chr16-70289668-C-T.
Other names: short protein forms R750Q.
Identifiers: ClinVar variation 1298667 (VCV001298667.44), dbSNP rs1383041194, ClinGen allele CA396556893.

ClinVar aggregate classification (germline): Uncertain significance. Review status: criteria provided, multiple submitters, no conflicts (2 of 4 stars). 5 submissions from 5 submitters: Uncertain significance (5). Last evaluated 2025-11-26.

Conditions:
Inborn genetic diseases. Identifiers: MedGen C0950123, MeSH D030342.
AARS1-related disorder. Also called: AARS1-related condition.
Charcot-Marie-Tooth disease type 2. Also called: Charcot-Marie-Tooth type 2. Identifiers: Orphanet 64746, MedGen C0270914, MONDO:0018993.

Allele frequency attached by ClinVar (database versions not stated): gnomAD exomes below 0.00001; TOPMed 0.00001; gnomAD 0.00003.
gnomAD v4.1: 8 of 1,614,078 alleles (0.0005%); highest among the groups gnomAD compares: Admixed American, 0.005%; no homozygotes.

Submissions (5):

Ambry Genetics
Classification: Uncertain significance for Inborn genetic diseases. Last evaluated: 2025-11-26. Review status: criteria provided, single submitter. Criteria: Ambry Variant Classification Scheme 2023. Collection method: clinical testing. Allele origin: germline.

PreventionGenetics, part of Exact Sciences
Classification: Uncertain significance for AARS1-related condition. Last evaluated: 2025-01-23. Review status: criteria provided, single submitter. Criteria: ACMG Guidelines, 2015. Collection method: clinical testing. Allele origin: germline.
Comment: The AARS1 c.2249G>A variant is predicted to result in the amino acid substitution p.Arg750Gln. To our knowledge, this variant has not been reported in the literature. This variant is reported in 0.00088% of alleles in individuals of European (Non-Finnish) descent in gnomAD. An alternate nucleotide change affecting the same amino acid (p.Arg750Trp) has been reported in an individual with AARS1-related disease (Wu et al. 2020. PubMed ID: 32571458). At this time, the clinical significance of the c.2249G>A (p.Arg750Gln) variant is uncertain due to the absence of conclusive functional and genetic evidence.

Labcorp Genetics (formerly Invitae), Labcorp
Classification: Uncertain significance for Charcot-Marie-Tooth disease type 2. Last evaluated: 2024-05-19. Review status: criteria provided, single submitter. Criteria: Invitae Variant Classification Sherloc (09022015). Collection method: clinical testing. Allele origin: germline.
Comment: This sequence change replaces arginine, which is basic and polar, with glutamine, which is neutral and polar, at codon 750 of the AARS protein (p.Arg750Gln). This variant is present in population databases (no rsID available, gnomAD 0.0009%). This variant has not been reported in the literature in individuals affected with AARS-related conditions. ClinVar contains an entry for this variant (Variation ID: 1298667). Advanced modeling of protein sequence and biophysical properties (such as structural, functional, and spatial information, amino acid conservation, physicochemical variation, residue mobility, and thermodynamic stability) has been performed at Invitae for this missense variant, however the output from this modeling did not meet the statistical confidence thresholds required to predict the impact of this variant on AARS protein function. In summary, the available evidence is currently insufficient to determine the role of this variant in disease. Therefore, it has been classified as a Variant of Uncertain Significance.

GeneDx
Classification: Uncertain significance. Last evaluated: 2022-02-24. Review status: criteria provided, single submitter. Criteria: GeneDx Variant Classification Process June 2021. Collection method: clinical testing. Allele origin: germline. Affected: yes.
Comment: Not observed at significant frequency in large population cohorts (gnomAD); In silico analysis supports that this missense variant has a deleterious effect on protein structure/function; Has not been previously published as pathogenic or benign to our knowledge

CeGaT Center for Human Genetics Tuebingen
Classification: Uncertain significance. Last evaluated: 2021-08-01. Review status: criteria provided, single submitter. Criteria: CeGaT Center For Human Genetics Tuebingen Variant Classification Criteria Version 2. Collection method: clinical testing. Allele origin: germline. Affected: yes. Observed: 1 variant allele.